The following is an entry in ClinVar:

ClinVar aggregate classification (germline): Uncertain significance. Review status: criteria provided, multiple submitters, no conflicts (2 of 4 stars). 3 submissions from 3 submitters: Uncertain significance (3). Last evaluated 2025-08-24.

Conditions:
D-2-hydroxyglutaric aciduria 1 (D2HGA1). Identifiers: Orphanet 79315, MedGen C3152055, MONDO:0024554, OMIM 600721.

Allele frequency attached by ClinVar (database versions not stated): gnomAD 0.00001; gnomAD exomes 0.00003 and 0.00005; ExAC 0.00004; TOPMed 0.00004.

Submissions (3):

Mayo Clinic Laboratories, Mayo Clinic
Classification: Uncertain significance. Last evaluated: 2025-08-24. Review status: criteria provided, single submitter. Criteria: ACMG Guidelines, 2015. Collection method: clinical testing. Allele origin: germline. Observed: 1 variant allele.

Labcorp Genetics (formerly Invitae), Labcorp
Classification: Uncertain significance for D-2-hydroxyglutaric aciduria 1. Last evaluated: 2024-10-28. Review status: criteria provided, single submitter. Criteria: Invitae Variant Classification Sherloc (09022015). Collection method: clinical testing. Allele origin: germline.
Comment: This sequence change replaces serine, which is neutral and polar, with cysteine, which is neutral and slightly polar, at codon 63 of the D2HGDH protein (p.Ser63Cys). This variant is present in population databases (rs752903016, gnomAD 0.03%). This variant has not been reported in the literature in individuals affected with D2HGDH-related conditions. ClinVar contains an entry for this variant (Variation ID: 445555). Invitae Evidence Modeling of protein sequence and biophysical properties (such as structural, functional, and spatial information, amino acid conservation, physicochemical variation, residue mobility, and thermodynamic stability) indicates that this missense variant is not expected to disrupt D2HGDH protein function with a negative predictive value of 95%. In summary, the available evidence is currently insufficient to determine the role of this variant in disease. Therefore, it has been classified as a Variant of Uncertain Significance.

Center for Pediatric Genomic Medicine, Children's Mercy Hospital and Clinics
Classification: Uncertain significance. Last evaluated: 2017-03-09. Review status: criteria provided, single submitter. Criteria: ACMG Guidelines, 2015. Collection method: clinical testing. Allele origin: germline.

NM_152783.5(D2HGDH):c.188C>G (p.Ser63Cys)

Genes: D2HGDH (D-2-hydroxyglutarate dehydrogenase; plus strand), LOC129936032 (ATAC-STARR-seq lymphoblastoid silent region 12559; plus strand). Cytogenetic location: 2q37.3.
Variant type: single nucleotide variant.
Coding change: c.188C>G on transcript NM_152783.5 (MANE Select); coding-DNA position 188, C replaced by G.
Protein change: p.Ser63Cys; replaces serine 63 with cysteine.
Molecular consequence: missense variant. On other transcripts: 5 prime UTR variant (1), non-coding transcript variant (1), intron variant (1).
Genome position (GRCh38, 1-based): chr2:241,735,412, C>G. VCF-style: chr2-241735412-C-G. GRCh37 (hg19) VCF-style: chr2-242674827-C-G.
Other names: p.Ser63Cys; c.-357C>G (NM_001352824.2); c.-111+717C>G (NM_001287249.2); short protein forms S63C.
Identifiers: ClinVar variation 445555 (VCV000445555.9), dbSNP rs752903016, ClinGen allele CA2221536.